The following is an entry in ClinVar:

NM_001365999.1(SZT2):c.6878-5C>G

Gene: SZT2 (SZT2 subunit of KICSTOR complex; plus strand). Cytogenetic location: 1p34.2.
Variant type: single nucleotide variant.
Coding change: c.6878-5C>G on transcript NM_001365999.1 (MANE Select); 5 bases into the intron before coding-DNA position 6878, C replaced by G.
Molecular consequence: intron variant.
Genome position (GRCh38, 1-based): chr1:43,439,600, C>G. VCF-style: chr1-43439600-C-G. GRCh37 (hg19) VCF-style: chr1-43905271-C-G.
Other names: c.6707-5C>G (NM_015284.4).
Identifiers: ClinVar variation 1014277 (VCV001014277.8), dbSNP rs765410327, ClinGen allele CA810051.

ClinVar aggregate classification (germline): Uncertain significance (1 of 4 stars; one submission).

Allele frequency attached by ClinVar (database versions not stated): gnomAD exomes below 0.00001; ExAC 0.00001.

Submission:

Labcorp Genetics (formerly Invitae), Labcorp
Classification: Uncertain significance. Last evaluated: 2020-05-06. Review status: criteria provided, single submitter. Criteria: Invitae Variant Classification Sherloc (09022015). Collection method: clinical testing. Allele origin: germline.
Comment: In summary, the available evidence is currently insufficient to determine the role of this variant in disease. Therefore, it has been classified as a Variant of Uncertain Significance. Algorithms developed to predict the effect of sequence changes on RNA splicing suggest that this variant may disrupt the consensus splice site, but this prediction has not been confirmed by published transcriptional studies. This sequence change falls in intron 48 of the SZT2 gene. It does not directly change the encoded amino acid sequence of the SZT2 protein. This variant is present in population databases (rs765410327, ExAC 0.002%). This variant has not been reported in the literature in individuals with SZT2-related conditions.